The following is an entry in ClinVar:

ClinVar aggregate classification (germline): Likely benign. Review status: criteria provided, multiple submitters, no conflicts (2 of 4 stars). 3 submissions from 3 submitters: Likely benign (2). 1 of the submissions does not count toward it. Last evaluated 2025-12-18.

Conditions:
COL9A3-related disorder. Also called: COL9A3-related condition.

Allele frequency attached by ClinVar (database versions not stated): 1000 Genomes Project 30x 0.00016; 1000 Genomes Project 0.00020; gnomAD exomes 0.00002 and 0.00005; ExAC 0.00004; gnomAD 0.00010 and 0.00011; TOPMed 0.00014; ESP Exome Variant Server 0.00015.
gnomAD v4.1: 81 of 1,612,952 alleles (0.005%); highest among the groups gnomAD compares: African/African-American, 0.021%; no homozygotes.

Submissions (3):

Labcorp Genetics (formerly Invitae), Labcorp
Classification: Likely benign. Last evaluated: 2025-12-18. Review status: criteria provided, single submitter. Criteria: Invitae Variant Classification Sherloc (09022015). Collection method: clinical testing. Allele origin: germline.

GeneDx
Classification: Likely benign. Last evaluated: 2019-10-11. Review status: criteria provided, single submitter. Criteria: GeneDx Variant Classification Process June 2021. Collection method: clinical testing. Allele origin: germline. Affected: yes.

PreventionGenetics, part of Exact Sciences
Classification: Likely benign for COL9A3-related condition. Last evaluated: 2021-12-10. Review status: no assertion criteria provided. Collection method: clinical testing. Allele origin: germline. Not counted in ClinVar's aggregate classification.
Comment: This variant is classified as likely benign based on ACMG/AMP sequence variant interpretation guidelines (Richards et al. 2015 PMID: 25741868, with internal and published modifications).

NM_001853.4(COL9A3):c.1293G>A (p.Pro431=)

Gene: COL9A3 (collagen type IX alpha 3 chain; plus strand). Cytogenetic location: 20q13.33.
Variant type: single nucleotide variant.
Coding change: c.1293G>A on transcript NM_001853.4 (MANE Select); coding-DNA position 1293, G replaced by A.
Protein change: p.Pro431=; no amino-acid change (proline 431 retained).
Molecular consequence: synonymous variant.
Genome position (GRCh38, 1-based): chr20:62,832,159, G>A. VCF-style: chr20-62832159-G-A. GRCh37 (hg19) VCF-style: chr20-61463511-G-A.
Identifiers: ClinVar variation 1085992 (VCV001085992.14), dbSNP rs147410240, ClinGen allele CA9949880.